The following is an entry in ClinVar:

NM_006231.4(POLE):c.2983A>G (p.Lys995Glu)

Gene: POLE (DNA polymerase epsilon, catalytic subunit; minus strand). Cytogenetic location: 12q24.33.
Variant type: single nucleotide variant.
Coding change: c.2983A>G on transcript NM_006231.4 (MANE Select); coding-DNA position 2983, A replaced by G.
Protein change: p.Lys995Glu; replaces lysine 995 with glutamic acid.
Molecular consequence: missense variant.
Genome position (GRCh38, 1-based): chr12:132,661,046, T>C on the plus strand (A>G on the coding strand, the complement: POLE is on the minus strand). VCF-style: chr12-132661046-T-C. GRCh37 (hg19) VCF-style: chr12-133237632-T-C.
Other names: short protein forms K995E.
Identifiers: ClinVar variation 3422180 (VCV003422180.3).

ClinVar aggregate classification (germline): Uncertain significance. Review status: criteria provided, multiple submitters, no conflicts (2 of 4 stars). 2 submissions from 2 submitters: Uncertain significance (2). Last evaluated 2024-09-22.

Conditions:
Hereditary cancer-predisposing syndrome. Also called: Neoplastic Syndromes, Hereditary; Tumor predisposition; Hereditary Cancer Syndrome; Hereditary neoplastic syndrome. Identifiers: Orphanet 140162, MedGen C0027672, MeSH D009386, MONDO:0015356.

gnomAD v4.1: 1 of 1,614,042 alleles (0.000062%); highest among the groups gnomAD compares: Non-Finnish European, 0.000085%; no homozygotes.

Submissions (2):

Ambry Genetics
Classification: Uncertain significance for Hereditary cancer-predisposing syndrome. Last evaluated: 2024-09-22. Review status: criteria provided, single submitter. Criteria: Ambry Variant Classification Scheme 2023. Collection method: clinical testing. Allele origin: germline.
Comment: The p.K995E variant (also known as c.2983A>G), located in coding exon 25 of the POLE gene, results from an A to G substitution at nucleotide position 2983. The lysine at codon 995 is replaced by glutamic acid, an amino acid with similar properties. This amino acid position is conserved. In addition, this alteration is predicted to be tolerated by in silico analysis. Based on the available evidence, the clinical significance of this variant remains unclear.

Labcorp Genetics (formerly Invitae), Labcorp
Classification: Uncertain significance. Last evaluated: 2024-04-03. Review status: criteria provided, single submitter. Criteria: Invitae Variant Classification Sherloc (09022015). Collection method: clinical testing. Allele origin: germline.
Comment: This sequence change replaces lysine, which is basic and polar, with glutamic acid, which is acidic and polar, at codon 995 of the POLE protein (p.Lys995Glu). This variant is not present in population databases (gnomAD no frequency). This variant has not been reported in the literature in individuals affected with POLE-related conditions. Advanced modeling of protein sequence and biophysical properties (such as structural, functional, and spatial information, amino acid conservation, physicochemical variation, residue mobility, and thermodynamic stability) performed at Invitae indicates that this missense variant is not expected to disrupt POLE protein function with a negative predictive value of 80%. In summary, the available evidence is currently insufficient to determine the role of this variant in disease. Therefore, it has been classified as a Variant of Uncertain Significance.